The following is an entry in ClinVar:

NM_004991.4(MECOM):c.944G>C (p.Ser315Thr)

Gene: MECOM (MDS1 and EVI1 complex locus; minus strand). Cytogenetic location: 3q26.2.
Variant type: single nucleotide variant.
Coding change: c.944G>C on transcript NM_004991.4 (MANE Select); coding-DNA position 944, G replaced by C.
Protein change: p.Ser315Thr; replaces serine 315 with threonine.
Molecular consequence: missense variant.
Genome position (GRCh38, 1-based): chr3:169,122,614, C>G on the plus strand (G>C on the coding strand, the complement: MECOM is on the minus strand). VCF-style: chr3-169122614-C-G. GRCh37 (hg19) VCF-style: chr3-168840402-C-G.
Other names: c.572G>C, p.Ser191Thr (NM_001105077.4); c.380G>C, p.Ser127Thr (NM_001105078.4, NM_001163999.2, NM_001164000.2 and 9 more transcripts); c.944G>C, p.Ser315Thr (NM_001366466.2, NM_001366473.2); short protein forms S191T, S315T, S127T.
Identifiers: ClinVar variation 4053115 (VCV004053115.1).

ClinVar aggregate classification (germline): Uncertain significance (1 of 4 stars; one submission).

Conditions:
Inborn genetic diseases. Identifiers: MedGen C0950123, MeSH D030342.

Submission:

Ambry Genetics
Classification: Uncertain significance for Inborn genetic diseases. Last evaluated: 2025-03-29. Review status: criteria provided, single submitter. Criteria: Ambry Variant Classification Scheme 2023. Collection method: clinical testing. Allele origin: germline.
Comment: The p.S315T variant (also known as c.944G>C), located in coding exon 6 of the MECOM gene, results from a G to C substitution at nucleotide position 944. The serine at codon 315 is replaced by threonine, an amino acid with similar properties. This amino acid position is conserved. In addition, this alteration is predicted to be tolerated by in silico analysis. Based on the available evidence, the clinical significance of this variant remains unclear.